The following is an entry in ClinVar:

ClinVar aggregate classification (germline): Uncertain significance. Review status: criteria provided, multiple submitters, no conflicts (2 of 4 stars). 2 submissions from 2 submitters: Uncertain significance (2). Last evaluated 2024-12-21.

Conditions:
Inborn genetic diseases. Identifiers: MedGen C0950123, MeSH D030342.

Allele frequency attached by ClinVar (database versions not stated): gnomAD 0.00003 and 0.00004; gnomAD exomes 0.00003; ExAC 0.00005; TOPMed 0.00006.
gnomAD v4.1: 76 of 1,550,870 alleles (0.0049%); highest among the groups gnomAD compares: South Asian, 0.0071%; 1 homozygote.

Submissions (2):

Ambry Genetics
Classification: Uncertain significance for Inborn genetic diseases. Last evaluated: 2024-12-21. Review status: criteria provided, single submitter. Criteria: Ambry Variant Classification Scheme 2023. Collection method: clinical testing. Allele origin: germline.

Labcorp Genetics (formerly Invitae), Labcorp
Classification: Uncertain significance. Last evaluated: 2022-07-30. Review status: criteria provided, single submitter. Criteria: Invitae Variant Classification Sherloc (09022015). Collection method: clinical testing. Allele origin: germline.
Comment: This sequence change replaces valine, which is neutral and non-polar, with methionine, which is neutral and non-polar, at codon 1174 of the UNC80 protein (p.Val1174Met). This variant is present in population databases (rs201318495, gnomAD 0.006%). This variant has not been reported in the literature in individuals affected with UNC80-related conditions. ClinVar contains an entry for this variant (Variation ID: 1358936). Algorithms developed to predict the effect of missense changes on protein structure and function are either unavailable or do not agree on the potential impact of this missense change (SIFT: "Not Available"; PolyPhen-2: "Probably Damaging"; Align-GVGD: "Not Available"). In summary, the available evidence is currently insufficient to determine the role of this variant in disease. Therefore, it has been classified as a Variant of Uncertain Significance.

NM_001371986.1(UNC80):c.3514G>A (p.Val1172Met)

Gene: UNC80 (unc-80 homolog, NALCN channel complex subunit; plus strand). Cytogenetic location: 2q34.
Variant type: single nucleotide variant.
Coding change: c.3514G>A on transcript NM_001371986.1 (MANE Select); coding-DNA position 3514, G replaced by A.
Protein change: p.Val1172Met; replaces valine 1172 with methionine.
Molecular consequence: missense variant.
Genome position (GRCh38, 1-based): chr2:209,849,510, G>A. VCF-style: chr2-209849510-G-A. GRCh37 (hg19) VCF-style: chr2-210714234-G-A.
Other names: c.3520G>A, p.Val1174Met (NM_032504.2); c.3505G>A, p.Val1169Met (NM_182587.4); c.3520G>A (NM_032504.1); short protein forms V1174M, V1172M, V1169M.
Identifiers: ClinVar variation 1358936 (VCV001358936.6), dbSNP rs201318495, ClinGen allele CA2083137.